The following is an entry in ClinVar:

ClinVar aggregate classification (germline): Uncertain significance (1 of 4 stars; one submission).

Conditions:
Immunodeficiency. Identifiers: MedGen C0021051, MONDO:0021094, HP:0002721.

Submission:

Labcorp Genetics (formerly Invitae), Labcorp
Classification: Uncertain significance for Immunodeficiency. Last evaluated: 2023-11-18. Review status: criteria provided, single submitter. Criteria: Invitae Variant Classification Sherloc (09022015). Collection method: clinical testing. Allele origin: germline.
Comment: This sequence change replaces serine, which is neutral and polar, with proline, which is neutral and non-polar, at codon 228 of the NFAT5 protein (p.Ser228Pro). This variant is not present in population databases (gnomAD no frequency). This variant has not been reported in the literature in individuals affected with NFAT5-related conditions. An algorithm developed to predict the effect of missense changes on protein structure and function (PolyPhen-2) suggests that this variant is likely to be disruptive. In summary, the available evidence is currently insufficient to determine the role of this variant in disease. Therefore, it has been classified as a Variant of Uncertain Significance.

NM_138713.4(NFAT5):c.964T>C (p.Ser322Pro)

Gene: NFAT5 (nuclear factor of activated T cells 5; plus strand). Cytogenetic location: 16q22.1.
Variant type: single nucleotide variant.
Coding change: c.964T>C on transcript NM_138713.4 (MANE Select); coding-DNA position 964, T replaced by C.
Protein change: p.Ser322Pro; replaces serine 322 with proline.
Molecular consequence: missense variant.
Genome position (GRCh38, 1-based): chr16:69,653,387, T>C. VCF-style: chr16-69653387-T-C. GRCh37 (hg19) VCF-style: chr16-69687290-T-C.
Other names: c.964T>C, p.Ser322Pro (NM_001113178.3); c.292T>C, p.Ser98Pro (NM_001367709.1); c.910T>C, p.Ser304Pro (NM_006599.4); c.682T>C, p.Ser228Pro (NM_138714.4, NM_173214.3, NM_173215.3); short protein forms S228P, S304P, S322P, S98P.
Identifiers: ClinVar variation 2696996 (VCV002696996.3), dbSNP rs2543970077, ClinGen allele CA396489655.